The following is an entry in ClinVar:

NC_000001.10:g.(?_94525884)_(94528259_?)del

Gene: ABCA4 (ATP binding cassette subfamily A member 4; minus strand). Cytogenetic location: 1p22.1.
Variant type: Deletion.
Identifiers: ClinVar variation 3247890 (VCV003247890.1).

ClinVar aggregate classification (germline): Pathogenic (1 of 4 stars; one submission).

Submission:

Labcorp Genetics (formerly Invitae), Labcorp
Classification: Pathogenic. Last evaluated: 2023-08-22. Review status: criteria provided, single submitter. Criteria: Invitae Variant Classification Sherloc (09022015). Collection method: clinical testing. Allele origin: unknown.
Comment: This variant results in the deletion of exon 14 and part of exon 13 (c.1811_2160+209delinsGGAAATCCGGTACAG) of the ABCA4 gene. It is expected to disrupt RNA splicing. Variants that disrupt the donor or acceptor splice site typically lead to a loss of protein function (PMID: 16199547), and loss-of-function variants in ABCA4 are known to be pathogenic (PMID: 10958761, 24938718, 25312043, 26780318). This variant has not been reported in the literature in individuals affected with ABCA4-related conditions. This variant disrupts a region of the ABCA4 protein in which other variant(s) (p.Gly690Asp) have been determined to be pathogenic (PMID: 22661472). This suggests that this is a clinically significant region of the protein, and that variants that disrupt it are likely to be disease-causing. For these reasons, this variant has been classified as Pathogenic.

Literature cited by the submitters: PubMed 16199547; PubMed 10958761; PubMed 24938718; PubMed 25312043; PubMed 26780318; PubMed 22661472.